The following is an entry in ClinVar:

ClinVar aggregate classification (germline): Uncertain significance (1 of 4 stars; one submission).

Allele frequency attached by ClinVar (database versions not stated): ExAC 0.00001; gnomAD 0.00003; TOPMed 0.00006.

Submission:

Labcorp Genetics (formerly Invitae), Labcorp
Classification: Uncertain significance. Last evaluated: 2025-01-29. Review status: criteria provided, single submitter. Criteria: Invitae Variant Classification Sherloc (09022015). Collection method: clinical testing. Allele origin: germline.
Comment: This sequence change replaces alanine, which is neutral and non-polar, with threonine, which is neutral and polar, at codon 1932 of the MYO7A protein (p.Ala1932Thr). This variant is present in population databases (rs766282429, gnomAD 0.01%). This variant has not been reported in the literature in individuals affected with MYO7A-related conditions. ClinVar contains an entry for this variant (Variation ID: 2200509). Invitae Evidence Modeling of protein sequence and biophysical properties (such as structural, functional, and spatial information, amino acid conservation, physicochemical variation, residue mobility, and thermodynamic stability) indicates that this missense variant is not expected to disrupt MYO7A protein function with a negative predictive value of 95%. In summary, the available evidence is currently insufficient to determine the role of this variant in disease. Therefore, it has been classified as a Variant of Uncertain Significance.

NM_000260.4(MYO7A):c.5794G>A (p.Ala1932Thr)

Gene: MYO7A (myosin VIIA; plus strand). Cytogenetic location: 11q13.5.
Variant type: single nucleotide variant.
Coding change: c.5794G>A on transcript NM_000260.4 (MANE Select); coding-DNA position 5794, G replaced by A.
Protein change: p.Ala1932Thr; replaces alanine 1932 with threonine.
Molecular consequence: missense variant.
Genome position (GRCh38, 1-based): chr11:77,207,340, G>A. VCF-style: chr11-77207340-G-A. GRCh37 (hg19) VCF-style: chr11-76918385-G-A.
Other names: c.5680G>A, p.Ala1894Thr (NM_001127180.2); c.5647G>A, p.Ala1883Thr (NM_001369365.1); short protein forms A1894T, A1932T, A1883T.
Identifiers: ClinVar variation 2200509 (VCV002200509.2), dbSNP rs766282429, ClinGen allele CA6198837.
Genomic context (GRCh38, chr11:77,207,340, plus strand): 5'-CCCTCCCAGGCCTTCGAAGTGGAGTCCAGCACCAAGGCCAAGGACTTCTGCCAGAACATC[G>A]CCACCAGGCTGCTCCTCAAGTCCTCAGAGGGATTCAGCCTCTTTGTCAAAATTGCAGACA-3'
Protein context (NP_000251.3, residues 1922-1942): TKAKDFCQNI[Ala1932Thr]TRLLLKSSEG